The following is an entry in ClinVar:

NM_001127222.2(CACNA1A):c.1141C>T (p.Arg381Trp)

Gene: CACNA1A (calcium voltage-gated channel subunit alpha1 A; minus strand). Cytogenetic location: 19p13.13.
Variant type: single nucleotide variant.
Coding change: c.1141C>T on transcript NM_001127222.2 (MANE Select); coding-DNA position 1141, C replaced by T.
Protein change: p.Arg381Trp; replaces arginine 381 with tryptophan.
Molecular consequence: missense variant.
Genome position (GRCh38, 1-based): chr19:13,334,435, G>A on the plus strand (C>T on the coding strand, the complement: CACNA1A is on the minus strand). VCF-style: chr19-13334435-G-A. GRCh37 (hg19) VCF-style: chr19-13445249-G-A.
Other names: p.Arg381Trp; c.1141C>T, p.Arg381Trp (NM_000068.4, NM_001127221.2, NM_001174080.2 and 1 more transcripts); short protein forms R381W.
Identifiers: ClinVar variation 434560 (VCV000434560.38), dbSNP rs773593740, ClinGen allele CA9240910.

ClinVar aggregate classification (germline): Conflicting classifications of pathogenicity. Review status: criteria provided, conflicting classifications (1 of 4 stars). 6 submissions from 6 submitters: Uncertain significance (5); Likely benign (1). Last evaluated 2025-05-27.

Conditions:
Inborn genetic diseases. Identifiers: MedGen C0950123, MeSH D030342.
Episodic ataxia type 2 (EA2). Also called: ACETAZOLAMIDE-RESPONSIVE HEREDITARY PAROXYSMAL CEREBELLAR ATAXIA; ATAXIA, EPISODIC, WITH NYSTAGMUS; ATAXIA, FAMILIAL PAROXYSMAL; CEREBELLAR ATAXIA, PAROXYSMAL, ACETAZOLAMIDE-RESPONSIVE; CEREBELLOPATHY, HEREDITARY PAROXYSMAL; EPISODIC ATAXIA, NYSTAGMUS-ASSOCIATED. Identifiers: Orphanet 97, MedGen C1720416, MONDO:0007163, OMIM 108500.
Developmental and epileptic encephalopathy, 42 (DEE42A). Also called: Epileptic encephalopathy, early infantile, 42; EPILEPTIC ENCEPHALOPATHY, EARLY INFANTILE, 42A; DEVELOPMENTAL AND EPILEPTIC ENCEPHALOPATHY 42A. Identifiers: MedGen C4310716, MONDO:0014917, OMIM 617106.

Allele frequency attached by ClinVar (database versions not stated): gnomAD 0.00001; TOPMed 0.00002.
gnomAD v4.1: 27 of 1,612,606 alleles (0.0017%); highest among the groups gnomAD compares: Non-Finnish European, 0.0022%; no homozygotes.

Submissions (6):

Mayo Clinic Laboratories, Mayo Clinic
Classification: Uncertain significance. Last evaluated: 2025-05-27. Review status: criteria provided, single submitter. Criteria: ACMG Guidelines, 2015. Collection method: clinical testing. Allele origin: germline. Observed: 1 variant allele.
Comment: BS2, PP2, PP3, PM2_supporting

Labcorp Genetics (formerly Invitae), Labcorp
Classification: Uncertain significance for Developmental and epileptic encephalopathy, 42; Episodic ataxia type 2. Last evaluated: 2024-12-30. Review status: criteria provided, single submitter. Criteria: Invitae Variant Classification Sherloc (09022015). Collection method: clinical testing. Allele origin: germline.
Comment: This sequence change replaces arginine, which is basic and polar, with tryptophan, which is neutral and slightly polar, at codon 381 of the CACNA1A protein (p.Arg381Trp). This variant is present in population databases (rs773593740, gnomAD 0.01%), and has an allele count higher than expected for a pathogenic variant. This variant has not been reported in the literature in individuals affected with CACNA1A-related conditions. ClinVar contains an entry for this variant (Variation ID: 434560). Invitae Evidence Modeling of protein sequence and biophysical properties (such as structural, functional, and spatial information, amino acid conservation, physicochemical variation, residue mobility, and thermodynamic stability) has been performed for this missense variant. However, the output from this modeling did not meet the statistical confidence thresholds required to predict the impact of this variant on CACNA1A protein function. In summary, the available evidence is currently insufficient to determine the role of this variant in disease. Therefore, it has been classified as a Variant of Uncertain Significance.

GeneDx
Classification: Uncertain significance. Last evaluated: 2023-10-10. Review status: criteria provided, single submitter. Criteria: GeneDx Variant Classification Process June 2021. Collection method: clinical testing. Allele origin: germline. Affected: yes.
Comment: In silico analysis supports that this missense variant has a deleterious effect on protein structure/function; Has not been previously published as pathogenic or benign to our knowledge

CeGaT Center for Human Genetics Tuebingen
Classification: Uncertain significance. Last evaluated: 2023-10-01. Review status: criteria provided, single submitter. Criteria: CeGaT Center For Human Genetics Tuebingen Variant Classification Criteria Version 2. Collection method: clinical testing. Allele origin: germline. Affected: yes. Observed: 1 variant allele.
Comment: CACNA1A: PP2, PP3

Ambry Genetics
Classification: Likely benign for Inborn genetic diseases. Last evaluated: 2022-01-10. Review status: criteria provided, single submitter. Criteria: Ambry Variant Classification Scheme 2023. Collection method: clinical testing. Allele origin: germline.

Genetic Services Laboratory, University of Chicago
Classification: Uncertain significance. Last evaluated: 2016-08-02. Review status: criteria provided, single submitter. Criteria: ACMG Guidelines, 2015. Collection method: clinical testing. Allele origin: germline. Affected: no.